The following is an entry in ClinVar:

NM_006268.5(DPF2):c.21T>C (p.Asn7=)

Gene: DPF2 (double PHD fingers 2; plus strand). Cytogenetic location: 11q13.1.
Variant type: single nucleotide variant.
Coding change: c.21T>C on transcript NM_006268.5 (MANE Select); coding-DNA position 21, T replaced by C.
Protein change: p.Asn7=; no amino-acid change (asparagine 7 retained).
Molecular consequence: synonymous variant.
Genome position (GRCh38, 1-based): chr11:65,333,907, T>C. VCF-style: chr11-65333907-T-C. GRCh37 (hg19) VCF-style: chr11-65101378-T-C.
Other names: c.21T>C (NM_001330308.1); c.21T>C, p.Asn7= (NM_001330308.2).
Identifiers: ClinVar variation 1632492 (VCV001632492.31), dbSNP rs146359123, ClinGen allele CA6095129.

ClinVar aggregate classification (germline): Benign/Likely benign. Review status: criteria provided, multiple submitters, no conflicts (2 of 4 stars). 3 submissions from 3 submitters: Benign (1); Likely benign (1). 1 of the submissions does not count toward it. Last evaluated 2025-11-24.

Conditions:
DPF2-related disorder. Also called: DPF2-related condition.

Allele frequency attached by ClinVar (database versions not stated): gnomAD 0.00003 and 0.00009; ESP Exome Variant Server 0.00008; gnomAD exomes 0.00009 and 0.00020; TOPMed 0.00012; 1000 Genomes Project 30x 0.00016; 1000 Genomes Project 0.00020; ExAC 0.00020.
gnomAD v4.1: 174 of 1,613,858 alleles (0.011%); highest among the groups gnomAD compares: East Asian, 0.18%; 1 homozygote.

Submissions (3):

Labcorp Genetics (formerly Invitae), Labcorp
Classification: Benign. Last evaluated: 2025-11-24. Review status: criteria provided, single submitter. Criteria: Invitae Variant Classification Sherloc (09022015). Collection method: clinical testing. Allele origin: germline.

CeGaT Center for Human Genetics Tuebingen
Classification: Likely benign. Last evaluated: 2024-01-01. Review status: criteria provided, single submitter. Criteria: CeGaT Center For Human Genetics Tuebingen Variant Classification Criteria Version 2. Collection method: clinical testing. Allele origin: germline. Affected: yes. Observed: 1 variant allele.
Comment: DPF2: BP4, BS1

PreventionGenetics, part of Exact Sciences
Classification: Likely benign for DPF2-related condition. Last evaluated: 2019-06-18. Review status: no assertion criteria provided. Collection method: clinical testing. Allele origin: germline. Not counted in ClinVar's aggregate classification.
Comment: This variant is classified as likely benign based on ACMG/AMP sequence variant interpretation guidelines (Richards et al. 2015 PMID: 25741868, with internal and published modifications).